The following is an entry in ClinVar:

ClinVar aggregate classification (germline): Benign (1 of 4 stars; one submission).

Submission:

CeGaT Center for Human Genetics Tuebingen
Classification: Benign. Last evaluated: 2026-08-01. Review status: criteria provided, single submitter. Criteria: CeGaT Center For Human Genetics Tuebingen Variant Classification Criteria Version 2. Collection method: clinical testing. Allele origin: germline. Affected: yes. Observed: 1 variant allele.
Comment: ATXN1: BS1, BS2

NM_001128164.2(ATXN1):c.641_642insTCA (p.Gln213_Gln214insHis)

Genes: ATXN1 (ataxin 1; minus strand), LOC108663993 (ataxin 1 repeat instability region; plus strand). Cytogenetic location: 6p22.3.
Variant type: Insertion.
Coding change: c.641_642insTCA on transcript NM_001128164.2 (MANE Select); coding-DNA positions 641 to 642, TCA inserted.
Protein change: p.Gln213_Gln214insHis.
Molecular consequence: 3 prime UTR variant (on NM_001357857.2).
Genome position: GRCh38 VCF-style: chr6-16327669-C-CTGA. GRCh37 (hg19) VCF-style: chr6-16327900-C-CTGA.
Other names: c.641_642insTCA, p.Gln213_Gln214insHis (NM_000332.4); c.*54_*55insTCA (NM_001357857.2).
Identifiers: ClinVar variation 5039060 (VCV005039060.1).